The following is an entry in ClinVar:

ClinVar aggregate classification (germline): Uncertain significance. Review status: criteria provided, multiple submitters, no conflicts (2 of 4 stars). 3 submissions from 3 submitters: Uncertain significance (3). Last evaluated 2024-02-23.

Conditions:
Cardiomyopathy (CMYO). Also called: Cardiomyopathies. Identifiers: Orphanet 167848, MedGen C0878544, MONDO:0004994, HP:0001638. Inheritance: Various modes of inheritance.
Charcot-Marie-Tooth disease type 2. Also called: Charcot-Marie-Tooth type 2. Identifiers: Orphanet 64746, MedGen C0270914, MONDO:0018993.
Cardiovascular phenotype. Identifiers: MedGen CN230736.

Submissions (3):

Labcorp Genetics (formerly Invitae), Labcorp
Classification: Uncertain significance for Charcot-Marie-Tooth disease type 2. Last evaluated: 2024-02-23. Review status: criteria provided, single submitter. Criteria: Invitae Variant Classification Sherloc (09022015). Collection method: clinical testing. Allele origin: germline.
Comment: This sequence change replaces glutamine, which is neutral and polar, with glutamic acid, which is acidic and polar, at codon 293 of the LMNA protein (p.Gln293Glu). This variant is not present in population databases (gnomAD no frequency). This variant has not been reported in the literature in individuals affected with LMNA-related conditions. ClinVar contains an entry for this variant (Variation ID: 927211). Advanced modeling of protein sequence and biophysical properties (such as structural, functional, and spatial information, amino acid conservation, physicochemical variation, residue mobility, and thermodynamic stability) performed at Invitae indicates that this missense variant is expected to disrupt LMNA protein function with a positive predictive value of 95%. In summary, the available evidence is currently insufficient to determine the role of this variant in disease. Therefore, it has been classified as a Variant of Uncertain Significance.

Color Diagnostics, LLC DBA Color Health
Classification: Uncertain significance for Cardiomyopathy. Last evaluated: 2023-12-05. Review status: criteria provided, single submitter. Criteria: ACMG Guidelines, 2015. Collection method: clinical testing. Allele origin: germline.
Comment: This missense variant replaces glutamine with glutamic acid at codon 293 of the lamin A/C proteins. Computational prediction tools and conservation analyses are inconclusive regarding the impact of this variant on the protein function. Computational splicing tools suggest that this variant may not impact RNA splicing. To our knowledge, functional assays have not been performed for this variant nor has this variant been reported in individuals affected with cardiovascular disorders in the literature. This variant has not been identified in the general population by the Genome Aggregation Database (gnomAD). Available evidence is insufficient to determine the role of this variant in disease conclusively. Therefore, this variant is classified as a Variant of Uncertain Significance.

Ambry Genetics
Classification: Uncertain significance for Cardiovascular phenotype. Last evaluated: 2023-07-17. Review status: criteria provided, single submitter. Criteria: Ambry Variant Classification Scheme 2023. Collection method: clinical testing. Allele origin: germline.
Comment: The p.Q293E variant (also known as c.877C>G), located in coding exon 5 of the LMNA gene, results from a C to G substitution at nucleotide position 877. The glutamine at codon 293 is replaced by glutamic acid, an amino acid with highly similar properties. This amino acid position is well conserved in available vertebrate species; however, glutamic acid is the reference amino acid in other vertebrate species. In addition, the in silico prediction for this alteration is inconclusive. Since supporting evidence is limited at this time, the clinical significance of this alteration remains unclear.

NM_170707.4(LMNA):c.877C>G (p.Gln293Glu)

Gene: LMNA (lamin A/C; plus strand). Cytogenetic location: 1q22.
Variant type: single nucleotide variant.
Coding change: c.877C>G on transcript NM_170707.4 (MANE Select); coding-DNA position 877, C replaced by G.
Protein change: p.Gln293Glu; replaces glutamine 293 with glutamic acid.
Molecular consequence: missense variant.
Genome position (GRCh38, 1-based): chr1:156,135,253, C>G. VCF-style: chr1-156135253-C-G. GRCh37 (hg19) VCF-style: chr1-156105044-C-G.
Other names: c.541C>G, p.Gln181Glu (NM_001257374.3); c.634C>G, p.Gln212Glu (NM_001282624.2); c.877C>G, p.Gln293Glu (NM_001282625.2, NM_001282626.2, NM_005572.4 and 1 more transcripts); short protein forms Q212E, Q293E, Q181E.
Identifiers: ClinVar variation 927211 (VCV000927211.13), dbSNP rs1553265455, ClinGen allele CA342817715.